The following is an entry in ClinVar:

ClinVar aggregate classification (germline): Uncertain significance. Review status: criteria provided, multiple submitters, no conflicts (2 of 4 stars). 2 submissions from 2 submitters: Uncertain significance (2). Last evaluated 2025-04-05.

Conditions:
Spastic paraplegia. Identifiers: MedGen C0037772, HP:0001258.
Inborn genetic diseases. Identifiers: MedGen C0950123, MeSH D030342.

Allele frequency attached by ClinVar (database versions not stated): gnomAD exomes 0.00001 and below 0.00001; gnomAD 0.00001.
gnomAD v4.1: 19 of 1,614,016 alleles (0.0012%); highest among the groups gnomAD compares: Non-Finnish European, 0.0015%; no homozygotes.

Submissions (2):

Ambry Genetics
Classification: Uncertain significance for Inborn genetic diseases. Last evaluated: 2025-04-05. Review status: criteria provided, single submitter. Criteria: Ambry Variant Classification Scheme 2023. Collection method: clinical testing. Allele origin: germline.

Labcorp Genetics (formerly Invitae), Labcorp
Classification: Uncertain significance for Spastic paraplegia. Last evaluated: 2021-10-28. Review status: criteria provided, single submitter. Criteria: Invitae Variant Classification Sherloc (09022015). Collection method: clinical testing. Allele origin: germline.
Comment: This sequence change replaces glutamic acid, which is acidic and polar, with lysine, which is basic and polar, at codon 169 of the RTN2 protein (p.Glu169Lys). This variant is present in population databases (rs560858936, gnomAD 0.0009%). In summary, the available evidence is currently insufficient to determine the role of this variant in disease. Therefore, it has been classified as a Variant of Uncertain Significance. Algorithms developed to predict the effect of missense changes on protein structure and function (SIFT, PolyPhen-2, Align-GVGD) all suggest that this variant is likely to be tolerated. This variant has not been reported in the literature in individuals affected with RTN2-related conditions.

NM_005619.5(RTN2):c.505G>A (p.Glu169Lys)

Genes: OPA3-RTN2 (OPA3-RTN2 readthrough; minus strand), RTN2 (reticulon 2; minus strand). Cytogenetic location: 19q13.32.
Variant type: single nucleotide variant.
Coding change: c.505G>A on transcript NM_005619.5 (MANE Select); coding-DNA position 505, G replaced by A.
Protein change: p.Glu169Lys; replaces glutamic acid 169 with lysine.
Molecular consequence: missense variant.
Genome position (GRCh38, 1-based): chr19:45,494,580, C>T on the plus strand (G>A on the coding strand, the complement: RTN2 is on the minus strand). VCF-style: chr19-45494580-C-T. GRCh37 (hg19) VCF-style: chr19-45997838-C-T.
Other names: c.505G>A, p.Glu169Lys (NM_206900.3); c.505G>A (NM_005619.3); short protein forms E169K.
Identifiers: ClinVar variation 1473581 (VCV001473581.7), dbSNP rs560858936, ClinGen allele CA308955045.
Genomic context (GRCh38, chr19:45,494,580, plus strand): 5'-TCTCACCTTCCCCAGCTTCTCCTGTCTCCAATCTGTTGGGTTCTTGGGGTTCTTCGTCTT[C>T]CAGCGGGGTGGAGCTGCTGGTGGAAGAGTCCTCCCCGGATCCCGTTCCCCGGGCCACCCA-3'
Protein context (NP_005610.1, residues 159-179): DSSTSSSTPL[Glu169Lys]DEEPQEPNRL